The following is an entry in ClinVar:

NM_000038.6(APC):c.7593T>G (p.Ser2531=)

Gene: APC (APC regulator of Wnt signaling pathway; plus strand). Cytogenetic location: 5q22.2.
Variant type: single nucleotide variant.
Coding change: c.7593T>G on transcript NM_000038.6 (MANE Select); coding-DNA position 7593, T replaced by G.
Protein change: p.Ser2531=; no amino-acid change (serine 2531 retained).
Molecular consequence: synonymous variant.
Genome position (GRCh38, 1-based): chr5:112,843,187, T>G. VCF-style: chr5-112843187-T-G. GRCh37 (hg19) VCF-style: chr5-112178884-T-G.
Other names: c.7593T>G, p.Ser2531= (NM_001127510.3, NM_001354895.2); c.7539T>G, p.Ser2513= (NM_001127511.3); c.7647T>G, p.Ser2549= (NM_001354896.2); c.7623T>G, p.Ser2541= (NM_001354897.2); c.7518T>G, p.Ser2506= (NM_001354898.2); c.7509T>G, p.Ser2503= (NM_001354899.2); c.7470T>G, p.Ser2490= (NM_001354900.2); c.7416T>G, p.Ser2472= (NM_001354901.2); and 5 more.
Identifiers: ClinVar variation 827142 (VCV000827142.18), dbSNP rs1580684522, ClinGen allele CA446211074.

ClinVar aggregate classification (germline): Benign/Likely benign. Review status: criteria provided, multiple submitters, no conflicts (2 of 4 stars). 5 submissions from 5 submitters: Benign (1); Likely benign (4). Last evaluated 2024-04-10.

Conditions:
Hereditary cancer-predisposing syndrome. Also called: Neoplastic Syndromes, Hereditary; Tumor predisposition; Hereditary neoplastic syndrome; Hereditary Cancer Syndrome. Identifiers: Orphanet 140162, MedGen C0027672, MeSH D009386, MONDO:0015356.
Classic or attenuated familial adenomatous polyposis. Identifiers: MedGen CN372698, MONDO:0021057.
Familial adenomatous polyposis 1 (FAP1). Also called: POLYPOSIS, ADENOMATOUS INTESTINAL; FAMILIAL ADENOMATOUS POLYPOSIS 1, ATTENUATED. Identifiers: MedGen C2713442, MONDO:0021056, OMIM 175100. Disease mechanism: loss of function.

Allele frequency attached by ClinVar (database versions not stated): gnomAD exomes below 0.00001.

Submissions (5):

Myriad Genetics, Inc.
Classification: Benign for Familial adenomatous polyposis 1. Last evaluated: 2024-04-10. Review status: criteria provided, single submitter. Criteria: Myriad Autosomal Dominant, Autosomal Recessive and X-Linked Classification Criteria (2023). Collection method: clinical testing. Allele origin: unknown.
Comment: This variant is considered benign. This variant is a silent/synonymous amino acid change and it is not expected to impact splicing.

All of Us Research Program, National Institutes of Health
Classification: Likely benign for Classic or attenuated familial adenomatous polyposis. Last evaluated: 2023-10-06. Review status: criteria provided, single submitter. Criteria: ACMG Guidelines, 2015. Collection method: clinical testing. Allele origin: germline. Inheritance: Autosomal dominant inheritance. Observed: 1 variant allele, 1 heterozygote.
Comment: This study involves interpretation of variants in research participants for the purpose of population health screening. Participant phenotype was not available at the time of variant classification. Additional details can be found in publication PMID: 35346344, PMCID: PMC8962531

Labcorp Genetics (formerly Invitae), Labcorp
Classification: Likely benign for Familial adenomatous polyposis 1. Last evaluated: 2023-06-22. Review status: criteria provided, single submitter. Criteria: Invitae Variant Classification Sherloc (09022015). Collection method: clinical testing. Allele origin: germline.

Color Diagnostics, LLC DBA Color Health
Classification: Likely benign for Hereditary cancer-predisposing syndrome. Last evaluated: 2021-09-17. Review status: criteria provided, single submitter. Criteria: ACMG Guidelines, 2015. Collection method: clinical testing. Allele origin: germline.

Ambry Genetics
Classification: Likely benign for Hereditary cancer-predisposing syndrome. Last evaluated: 2019-03-07. Review status: criteria provided, single submitter. Criteria: Ambry Variant Classification Scheme 2023. Collection method: clinical testing. Allele origin: germline.